The following is an entry in ClinVar:

NM_000135.4(FANCA):c.4142G>A (p.Gly1381Asp)

Genes: FANCA (FA complementation group A; minus strand), ZNF276 (zinc finger protein 276; plus strand). Cytogenetic location: 16q24.3.
Variant type: single nucleotide variant.
Coding change: c.4142G>A on transcript NM_000135.4 (MANE Select); coding-DNA position 4142, G replaced by A.
Protein change: p.Gly1381Asp; replaces glycine 1381 with aspartic acid.
Molecular consequence: missense variant. On other transcripts: 3 prime UTR variant (2), non-coding transcript variant (4).
Genome position (GRCh38, 1-based): chr16:89,739,158, C>T on the plus strand (G>A on the coding strand, the complement: FANCA is on the minus strand). VCF-style: chr16-89739158-C-T. GRCh37 (hg19) VCF-style: chr16-89805566-C-T.
Other names: c.4142G>A, p.Gly1381Asp (NM_001286167.3); c.*912C>T (NM_001113525.2, NM_152287.4); short protein forms G1381D.
Identifiers: ClinVar variation 4254328 (VCV004254328.1).

ClinVar aggregate classification (germline): Uncertain significance (1 of 4 stars; one submission).

Conditions:
Inborn genetic diseases. Identifiers: MedGen C0950123, MeSH D030342.

gnomAD v4.1: 1 of 1,614,052 alleles (0.000062%); highest among the groups gnomAD compares: Non-Finnish European, 0.000085%; no homozygotes.

Submission:

Ambry Genetics
Classification: Uncertain significance for Inborn genetic diseases. Last evaluated: 2025-09-02. Review status: criteria provided, single submitter. Criteria: Ambry Variant Classification Scheme 2023. Collection method: clinical testing. Allele origin: germline.
Comment: The p.G1381D variant (also known as c.4142G>A), located in coding exon 41 of the FANCA gene, results from a G to A substitution at nucleotide position 4142. The glycine at codon 1381 is replaced by aspartic acid, an amino acid with similar properties. This amino acid position is conserved. In addition, this alteration is predicted to be tolerated by in silico analysis. Based on the available evidence, the clinical significance of this variant remains unclear.